The following is an entry in ClinVar:

NM_000458.4(HNF1B):c.1614C>T (p.Ser538=)

Gene: HNF1B (HNF1 homeobox B; minus strand). Cytogenetic location: 17q12.
Variant type: single nucleotide variant.
Coding change: c.1614C>T on transcript NM_000458.4 (MANE Select); coding-DNA position 1614, C replaced by T.
Protein change: p.Ser538=; no amino-acid change (serine 538 retained).
Molecular consequence: synonymous variant. On other transcripts: intron variant (1).
Genome position (GRCh38, 1-based): chr17:37,699,115, G>A on the plus strand (C>T on the coding strand, the complement: HNF1B is on the minus strand). VCF-style: chr17-37699115-G-A. GRCh37 (hg19) VCF-style: chr17-36059121-G-A.
Other names: c.1614C>T (NM_000458.3); c.1536C>T, p.Ser512= (NM_001165923.4); c.1261+5802C>T (NM_001304286.2).
Identifiers: ClinVar variation 593932 (VCV000593932.7), dbSNP rs1568636744, ClinGen allele CA499601553.

ClinVar aggregate classification (germline): Conflicting classifications of pathogenicity. Review status: criteria provided, conflicting classifications (1 of 4 stars). 3 submissions from 3 submitters: Uncertain significance (1); Likely benign (1). 1 of the submissions does not count toward it. Last evaluated 2017-09-05.

Conditions:
HNF1B-related disorder. Also called: HNF1B-related condition; HNF1B-related disorders.
Maturity-onset diabetes of the young (MODY). Also called: Maturity onset diabetes mellitus in young. Identifiers: Orphanet 552, MedGen C0342276, MONDO:0018911, HP:0004904.

Submissions (3):

Eurofins Ntd Llc (ga)
Classification: Uncertain significance. Last evaluated: 2017-09-05. Review status: criteria provided, single submitter. Criteria: EGL Classification Definitions 2015. Collection method: clinical testing. Allele origin: germline. Observed: 1 variant allele, 1 heterozygote.

Clinical Genomics, Uppaluri K&H Personalized Medicine Clinic
Classification: Likely benign for Maturity-onset diabetes of the young. Review status: criteria provided, single submitter. Criteria: K & H Uppaluri Personalized Medicine Clinic Variant Classification & Assertion Criteria_Updated V.1. Collection method: research. Allele origin: unknown. Inheritance: Autosomal dominant inheritance.
Comment: HNF1B gene mutations are associated with early onset diabetes and pancreatic atrophy. It is also associated with multiple renal manifestations including renal cysts, Tubulointerstitial disease, glomerulocystic disease, renal hypoplasia, hypomagnesemia. However no sufficient evidence is found to ascertain the role of this particular variant rs1568636744, yet.

PreventionGenetics, part of Exact Sciences
Classification: Likely benign for HNF1B-related condition. Last evaluated: 2024-07-15. Review status: no assertion criteria provided. Collection method: clinical testing. Allele origin: germline. Not counted in ClinVar's aggregate classification.
Comment: This variant is classified as likely benign based on ACMG/AMP sequence variant interpretation guidelines (Richards et al. 2015 PMID: 25741868, with internal and published modifications).

Literature cited by the submitters: PubMed 24897035 (cited by Clinical Genomics, Uppaluri K&H Personalized Medicine Clinic); PubMed 25536396 (cited by Clinical Genomics, Uppaluri K&H Personalized Medicine Clinic); PubMed 27615128 (cited by Clinical Genomics, Uppaluri K&H Personalized Medicine Clinic); PubMed 28215227 (cited by Clinical Genomics, Uppaluri K&H Personalized Medicine Clinic); PubMed 33434175 (cited by Clinical Genomics, Uppaluri K&H Personalized Medicine Clinic); PubMed 25741167 (cited by Clinical Genomics, Uppaluri K&H Personalized Medicine Clinic); PubMed 26340261 (cited by Clinical Genomics, Uppaluri K&H Personalized Medicine Clinic); PubMed 19639018 (cited by Clinical Genomics, Uppaluri K&H Personalized Medicine Clinic).